The following is an entry in ClinVar:

ClinVar aggregate classification (germline): Conflicting classifications of pathogenicity. Review status: criteria provided, conflicting classifications (1 of 4 stars). 2 submissions from 2 submitters: Uncertain significance (1); Benign (1). Last evaluated 2023-09-26.

Conditions:
DYRK1A-related intellectual disability syndrome (MRD7). Also called: Intellectual developmental disorder, autosomal dominant 7; DYRK1A Syndrome. Identifiers: Orphanet 464306, MedGen C5568143, MONDO:0013578, OMIM 614104.
Inborn genetic diseases. Identifiers: MedGen C0950123, MeSH D030342.

Allele frequency attached by ClinVar (database versions not stated): gnomAD exomes below 0.00001.
gnomAD v4.1: 1 of 1,597,852 alleles (0.000063%); highest among the groups gnomAD compares: Non-Finnish European, 0.000086%; no homozygotes.

Submissions (2):

Labcorp Genetics (formerly Invitae), Labcorp
Classification: Benign for DYRK1A-related intellectual disability syndrome. Last evaluated: 2023-09-26. Review status: criteria provided, single submitter. Criteria: Invitae Variant Classification Sherloc (09022015). Collection method: clinical testing. Allele origin: germline.

Ambry Genetics
Classification: Uncertain significance for Inborn genetic diseases. Last evaluated: 2018-01-29. Review status: criteria provided, single submitter. Criteria: Ambry Variant Classification Scheme 2023. Collection method: clinical testing. Allele origin: germline.
Comment: The p.Y58C variant (also known as c.173A>G), located in coding exon 2 of the DYRK1A gene, results from an A to G substitution at nucleotide position 173. The tyrosine at codon 58 is replaced by cysteine, an amino acid with highly dissimilar properties. This amino acid position is highly conserved in available vertebrate species. In addition, the in silico prediction for this alteration is inconclusive. Since supporting evidence is limited at this time, the clinical significance of this alteration remains unclear.

NM_001347721.2(DYRK1A):c.173A>G (p.Tyr58Cys)

Gene: DYRK1A (dual specificity tyrosine phosphorylation regulated kinase 1A; plus strand). Cytogenetic location: 21q22.13.
Variant type: single nucleotide variant.
Coding change: c.173A>G on transcript NM_001347721.2 (MANE Select); coding-DNA position 173, A replaced by G.
Protein change: p.Tyr58Cys; replaces tyrosine 58 with cysteine.
Molecular consequence: missense variant.
Genome position (GRCh38, 1-based): chr21:37,472,846, A>G. VCF-style: chr21-37472846-A-G. GRCh37 (hg19) VCF-style: chr21-38845148-A-G.
Other names: c.173A>G, p.Tyr58Cys (NM_001347722.2, NM_001396.5, NM_101395.2 and 2 more transcripts); c.86A>G, p.Tyr29Cys (NM_001347723.2); short protein forms Y29C, Y58C.
Identifiers: ClinVar variation 939250 (VCV000939250.10), dbSNP rs1041691170, ClinGen allele CA320471990.